The following is an entry in ClinVar:

NM_000059.4(BRCA2):c.4184C>T (p.Ala1395Val)

Gene: BRCA2 (BRCA2 DNA repair associated; plus strand). Cytogenetic location: 13q13.1.
Variant type: single nucleotide variant.
Coding change: c.4184C>T on transcript NM_000059.4 (MANE Select); coding-DNA position 4184, C replaced by T.
Protein change: p.Ala1395Val; replaces alanine 1395 with valine.
Molecular consequence: missense variant.
Genome position (GRCh38, 1-based): chr13:32,338,539, C>T. VCF-style: chr13-32338539-C-T. GRCh37 (hg19) VCF-style: chr13-32912676-C-T.
Other names: c.4184C>T (NM_000059.3); short protein forms A1395V.
Identifiers: ClinVar variation 1520245 (VCV001520245.9), dbSNP rs1782230124, ClinGen allele CA387780139.
Genomic context (GRCh38, chr13:32,338,539, plus strand): 5'-AGGGAAACACTCAGATTAAAGAAGATTTGTCAGATTTAACTTTTTTGGAAGTTGCGAAAG[C>T]TCAAGAAGCATGTCATGGTAATACTTCAAATAAAGAACAGTTAACTGCTACTAAAACGGA-3'
Protein context (NP_000050.3, residues 1385-1405): SDLTFLEVAK[Ala1395Val]QEACHGNTSN

ClinVar aggregate classification (germline): Conflicting classifications of pathogenicity. Review status: criteria provided, conflicting classifications (1 of 4 stars). 4 submissions from 4 submitters: Uncertain significance (3); Likely benign (1). Last evaluated 2024-01-12.

Conditions:
Hereditary cancer-predisposing syndrome. Also called: Hereditary neoplastic syndrome; Hereditary Cancer Syndrome; Tumor predisposition; Neoplastic Syndromes, Hereditary. Identifiers: Orphanet 140162, MedGen C0027672, MeSH D009386, MONDO:0015356.
Hereditary breast ovarian cancer syndrome. Also called: Hereditary breast and ovarian cancer syndrome; Hereditary breast and/or ovarian cancer syndrome; BRCA1- and BRCA2-Associated Hereditary Breast and Ovarian Cancer; Hereditary breast and ovarian cancer syndrome (HBOC); Breast and ovarian cancer; Hereditary breast and ovarian cancer. Identifiers: Orphanet 145, MedGen C0677776, MeSH D061325, MONDO:0003582. Disease mechanism: loss of function.

Allele frequency attached by ClinVar (database versions not stated): TOPMed below 0.00001.

Submissions (4):

Ambry Genetics
Classification: Uncertain significance for Hereditary cancer-predisposing syndrome. Last evaluated: 2024-01-12. Review status: criteria provided, single submitter. Criteria: Ambry Variant Classification Scheme 2023. Collection method: clinical testing. Allele origin: germline.
Comment: The p.A1395V variant (also known as c.4184C>T), located in coding exon 10 of the BRCA2 gene, results from a C to T substitution at nucleotide position 4184. The alanine at codon 1395 is replaced by valine, an amino acid with similar properties. This amino acid position is conserved. In addition, this alteration is predicted to be tolerated by in silico analysis. Since supporting evidence is limited at this time, the clinical significance of this alteration remains unclear.

Women's Health and Genetics/Laboratory Corporation of America, LabCorp
Classification: Uncertain significance. Last evaluated: 2023-07-02. Review status: criteria provided, single submitter. Criteria: LabCorp Variant Classification Summary - May 2015. Collection method: clinical testing. Allele origin: germline.

University of Washington Department of Laboratory Medicine, University of Washington
Classification: Likely benign for Hereditary cancer-predisposing syndrome. Last evaluated: 2023-03-23. Review status: criteria provided, single submitter. Criteria: Dines et al. (Genet Med. 2020). Collection method: curation. Allele origin: germline.
Comment: Missense variant in a coldspot region where missense variants are very unlikely to be pathogenic (PMID:31911673).

BRCA2 exon 11 coldspot. Reclassification based on statistical prior probability.

Labcorp Genetics (formerly Invitae), Labcorp
Classification: Uncertain significance for Hereditary breast ovarian cancer syndrome. Last evaluated: 2021-11-04. Review status: criteria provided, single submitter. Criteria: Invitae Variant Classification Sherloc (09022015). Collection method: clinical testing. Allele origin: germline.
Comment: This sequence change replaces alanine, which is neutral and non-polar, with valine, which is neutral and non-polar, at codon 1395 of the BRCA2 protein (p.Ala1395Val). This variant is not present in population databases (gnomAD no frequency). In summary, the available evidence is currently insufficient to determine the role of this variant in disease. Therefore, it has been classified as a Variant of Uncertain Significance. Advanced modeling of protein sequence and biophysical properties (such as structural, functional, and spatial information, amino acid conservation, physicochemical variation, residue mobility, and thermodynamic stability) performed at Invitae indicates that this missense variant is not expected to disrupt BRCA2 protein function. This variant has not been reported in the literature in individuals affected with BRCA2-related conditions.